The following is an entry in ClinVar:

ClinVar aggregate classification (germline): Pathogenic. Review status: criteria provided, multiple submitters, no conflicts (2 of 4 stars). 7 submissions from 7 submitters: Pathogenic (6). 1 of the submissions does not count toward it. Last evaluated 2026-03-29.

Conditions:
Medium-chain acyl-coenzyme A dehydrogenase deficiency (ACADMD). Also called: Medium chain acyl-CoA dehydrogenase deficiency; MCADH DEFICIENCY; MCADD; MCAD Deficiency; CARNITINE DEFICIENCY SECONDARY TO MEDIUM-CHAIN ACYL-CoA DEHYDROGENASE DEFICIENCY; ACADM DEFICIENCY. Identifiers: Orphanet 42, MedGen C0220710, MONDO:0008721, OMIM 201450.

Submissions (7):

Victorian Clinical Genetics Services, Murdoch Childrens Research Institute
Classification: Pathogenic for Medium-chain acyl-coenzyme A dehydrogenase deficiency. Last evaluated: 2026-03-29. Review status: criteria provided, single submitter. Criteria: ACMG Guidelines, 2015. Collection method: clinical testing. Allele origin: germline. Affected: yes.
Comment: This variant is classified as Pathogenic. Evidence in support of pathogenic classification: Variant is predicted to cause nonsense-mediated decay (NMD) and loss of protein (premature termination codon is located at least 54 nucleotides upstream of the final exon-exon junction); Variant is present in gnomAD <0.01 for a recessive condition (v4: 1 heterozygote(s), 0 homozygote(s)); This variant has strong previous evidence of pathogenicity in unrelated individuals. This variant has been classified as pathogenic by multiple clinical laboratories in ClinVar. - Other NMD-predicted variant(s) comparable to the one identified in this case have very strong previous evidence for pathogenicity (DECIPHER). Additional information: This variant is heterozygous; This gene is associated with autosomal recessive disease; Loss of function is a known mechanism of disease in this gene and is associated with deficiency of medium chain acyl-CoA dehydrogenase (MCAD) (MIM#201450); Variants in this gene are known to have variable expressivity. Clinical presentation varies from asymptomatic to fulminant course (OMIM); Inheritance information for this variant is not currently available in this individual.

Natera, Inc.
Classification: Pathogenic for Medium Chain Acyl-CoA Dehydrogenase Deficiency. Last evaluated: 2025-10-14. Review status: criteria provided, single submitter. Criteria: Natera Variant Classification Schema (03/2026). Collection method: clinical testing. Allele origin: germline.
Comment: The c.431_434delAGTA variant in ACADM is a frameshift variant predicted to shift the reading frame beginning at codon 144 and leads to a stop codon 5 codons downstream. This variant is expected to result in nonsense mediated decay, truncation, or a dysfunctional protein product. This variant is rare in the general population with a frequency below the threshold expected for the associated phenotype(s). This variant has been observed in one or more individuals affected with the associated recessive disease, as either homozygous or compound heterozygous with a second variant (PMID: 21483992, 24294134). Given the available evidence, this variant is classified as Pathogenic.

Labcorp Genetics (formerly Invitae), Labcorp
Classification: Pathogenic for Medium-chain acyl-coenzyme A dehydrogenase deficiency. Last evaluated: 2025-07-21. Review status: criteria provided, single submitter. Criteria: Invitae Variant Classification Sherloc (09022015). Collection method: clinical testing. Allele origin: germline.
Comment: This sequence change creates a premature translational stop signal (p.Lys144Ilefs*5) in the ACADM gene. It is expected to result in an absent or disrupted protein product. Loss-of-function variants in ACADM are known to be pathogenic (PMID: 16121256, 20434380). This variant is not present in population databases (gnomAD no frequency). This premature translational stop signal has been observed in individual(s) with proven or suspected medium-chain acyl-coenzyme A dehydrogenase deficiency (PMID: 15171998, 24294134). ClinVar contains an entry for this variant (Variation ID: 371546). For these reasons, this variant has been classified as Pathogenic.

Baylor Genetics
Classification: Pathogenic for Medium-chain acyl-coenzyme A dehydrogenase deficiency. Last evaluated: 2023-09-26. Review status: criteria provided, single submitter. Criteria: ACMG Guidelines, 2015. Collection method: clinical testing. Allele origin: unknown.

Women's Health and Genetics/Laboratory Corporation of America, LabCorp
Classification: Pathogenic for Medium-chain acyl-coenzyme A dehydrogenase deficiency. Last evaluated: 2018-03-08. Review status: criteria provided, single submitter. Criteria: LabCorp Variant Classification Summary - May 2015. Collection method: clinical testing. Allele origin: germline.
Comment: Variant summary: ACADM c.431_434delAGTA (p.Lys144IlefsX5) results in a premature termination codon, predicted to cause a truncation of the encoded protein or absence of the protein due to nonsense mediated decay, which are commonly known mechanisms for disease. Truncations downstream of this position have been classified as pathogenic/likely pathogenic by our laboratory (eg. c.999_1011dupTAGAATGAGTTAC, p.Gln338X; c.1114dupG, p.Ala372fsX11). The variant was absent in 118778 control chromosomes (ExAC). The c.431_434delAGTA has been reported in the literature in multiple individuals affected with Medium Chain Acyl-CoA Dehydrogenase Deficiency, including two homozygotes (Catarzi_2013, McKinney_2004, Ali_2011, Arnold_2010, Zhao_2017). These data indicate that the variant is very likely to be associated with disease. At least one publication reports experimental evidence confirming elevated blood acylcarnitines levels in patients with this variant (Catarzi_2013). Two clinical diagnostic laboratories have submitted clinical-significance assessments for this variant to ClinVar after 2014 without evidence for independent evaluation. All laboratories classified the variant as pathogenic. Based on the evidence outlined above, the variant was classified as pathogenic.

GeneDx
Classification: Pathogenic. Last evaluated: 2017-06-01. Review status: criteria provided, single submitter. Criteria: GeneDx Variant Classification (06012015). Collection method: clinical testing. Allele origin: germline. Affected: yes.
Comment: The c.431_434delAGTA variant in the ACADM gene has been reported previously in association with medium chain acyl-CoA dehydrogenase (MCAD) deficiency (McKinney et al., 2004; Ali et al., 2011). The deletion causes a frameshift starting with codon Lysine 144, changes this amino acid to an Isoleucine residue and creates a premature Stop codon at position 5 of the new reading frame, denoted p.Lys144IlefsX5. This variant is predicted to cause loss of normal protein function either through protein truncation or nonsense-mediated mRNA decay. The c.431_434delAGTA variant is not observed in large population cohorts (Lek et al., 2016; 1000 Genomes Consortium et al., 2015; Exome Variant Server). In summary, we interpret c.431_434delAGTA as pathogenic.

Counsyl
Classification: Pathogenic for Medium-chain acyl-coenzyme A dehydrogenase deficiency. Last evaluated: 2016-10-14. Review status: no assertion criteria provided. Collection method: clinical testing. Allele origin: unknown. Not counted in ClinVar's aggregate classification.

Literature cited by the submitters: PubMed 21483992 (cited by Natera, Inc. and Women's Health and Genetics/Laboratory Corporation of America, LabCorp); PubMed 24294134 (cited by 3 submitters); PubMed 16121256 (cited by Labcorp Genetics (formerly Invitae), Labcorp); PubMed 20434380 (cited by Labcorp Genetics (formerly Invitae), Labcorp); PubMed 15171998 (cited by Labcorp Genetics (formerly Invitae), Labcorp and Counsyl); PubMed 20036593 (cited by Women's Health and Genetics/Laboratory Corporation of America, LabCorp); PubMed 20437613 (cited by Women's Health and Genetics/Laboratory Corporation of America, LabCorp); PubMed 28581210 (cited by Women's Health and Genetics/Laboratory Corporation of America, LabCorp).

NM_000016.6(ACADM):c.431_434del (p.Lys144fs)

Gene: ACADM (acyl-CoA dehydrogenase medium chain; plus strand). Cytogenetic location: 1p31.1.
Variant type: Deletion.
Coding change: c.431_434del on transcript NM_000016.6 (MANE Select); coding-DNA positions 431 to 434, 4 bases deleted (AGTA; older notation c.431_434delAGTA).
Protein change: p.Lys144fs; shifts the reading frame from lysine 144.
Molecular consequence: frameshift variant. On other transcripts: intron variant (1).
Genome position (GRCh38, 1-based): chr1:75,734,834-75,734,837, AGTA deleted; deleting any 4 consecutive bases within chr1:75,734,833-75,734,837 gives the same sequence; the c. name uses the placement nearest the transcript's 3' end. VCF-style (leftmost placement, unchanged base first): chr1-75734832-GAAGT-G. GRCh37 (hg19) VCF-style: chr1-76200517-GAAGT-G.
Other names: c.431_434delAGTA (NM_000016.5); c.443_446del, p.Lys148fs (NM_001127328.3); c.323_326del, p.Lys108fs (NM_001286042.2); c.530_533del, p.Lys177fs (NM_001286043.2); c.-100+1912_-100+1915del (NM_001286044.2); short protein forms K144fs, K148fs, K177fs, K108fs.
Identifiers: ClinVar variation 371546 (VCV000371546.19), dbSNP rs1057517356, ClinGen allele CA16040779.